The following is an entry in ClinVar:

ClinVar aggregate classification (germline): Pathogenic. Review status: criteria provided, multiple submitters, no conflicts (2 of 4 stars). 7 submissions from 6 submitters: Pathogenic (5). 2 of the submissions do not count toward it. Last evaluated 2024-02-29.

Conditions:
Hereditary cancer-predisposing syndrome. Also called: Tumor predisposition; Neoplastic Syndromes, Hereditary; Hereditary neoplastic syndrome; Hereditary Cancer Syndrome. Identifiers: Orphanet 140162, MedGen C0027672, MeSH D009386, MONDO:0015356.
MEN2 phenotype: Unclassified. Identifiers: MedGen CN311636.
Multiple endocrine neoplasia, type 2 (MEN2). Identifiers: Orphanet 653, MedGen C4048306, MONDO:0019003. Disease mechanism: gain of function.
Multiple endocrine neoplasia type 2A. Also called: Multiple Endocrine Neoplasia Type 2A (MEN2A); MULTIPLE ENDOCRINE NEOPLASIA, TYPE IIA; PTC SYNDROME; SIPPLE SYNDROME; MEN 2A; MEN-2A syndrome. Identifiers: Orphanet 247698, Orphanet 653, MedGen C0025268, MeSH D018813, MONDO:0008234, OMIM 171400.
Multiple endocrine neoplasia type 2B. Also called: WAGENMANN-FROBOESE SYNDROME; MULTIPLE ENDOCRINE NEOPLASIA, TYPE III; MEN 2B; MUCOSAL NEUROMA SYNDROME; MEN IIB; NEUROMATA, MUCOSAL, WITH ENDOCRINE TUMORS. Identifiers: Orphanet 247709, Orphanet 653, MedGen C0025269, MeSH D018814, MONDO:0008082, OMIM 162300.

gnomAD v4.1: 3 of 1,614,122 alleles (0.00019%); highest among the groups gnomAD compares: Non-Finnish European, 0.00025%; no homozygotes.

Submissions (7):

Labcorp Genetics (formerly Invitae), Labcorp
Classification: Pathogenic for Multiple endocrine neoplasia, type 2. Last evaluated: 2024-02-29. Review status: criteria provided, single submitter. Criteria: Invitae Variant Classification Sherloc (09022015). Collection method: clinical testing. Allele origin: germline.
Comment: This sequence change replaces glutamic acid, which is acidic and polar, with aspartic acid, which is acidic and polar, at codon 768 of the RET protein (p.Glu768Asp). This variant is not present in population databases (gnomAD no frequency). This missense change has been observed in individuals with medullary thyroid carcinoma (PMID: 9263528, 11230481, 12116277, 15855933, 16736292, 17097365, 18062802; Invitae). It has also been observed to segregate with disease in related individuals. ClinVar contains an entry for this variant (Variation ID: 38611). An algorithm developed to predict the effect of missense changes on protein structure and function (PolyPhen-2) suggests that this variant is likely to be tolerated. Experimental studies are conflicting or provide insufficient evidence to determine the effect of this variant on RET function (PMID: 14715928, 15184865, 17047083, 26046350). For these reasons, this variant has been classified as Pathogenic.

Quest Diagnostics Nichols Institute San Juan Capistrano
Classification: Pathogenic. Last evaluated: 2023-10-16. Review status: criteria provided, single submitter. Criteria: Quest Diagnostics criteria. Collection method: clinical testing. Allele origin: unknown.
Comment: The RET c.2304G>T (p.Glu768Asp) variant has been reported in the published literature in individuals and families with medullary thyroid cancer (MTC) (PMID: 31510104 (2019), 21934104 (2011), 20516206 (2010), 17895320 (2007), 16736292 (2006), 12116277 (2002), 12016484 (2002), 11230481 (2001)), Hirschsprung's disease (PMID: 31510104 (2019)), Multiple endocrine neoplasia, type 2A (MEN 2A) (PMID: 20516206 (2010)), and Multiple endocrine neoplasia, type 2B (MEN 2B) (PMID: 29077903 (2018)). Functional studies reported this variant results in increased transforming activity and moderate oncogenic RET activation (PMID: 14715928 (2004), 9242375 (1997)). This variant has not been reported in large, multi-ethnic general populations (Genome Aggregation Database). Analysis of this variant using bioinformatics tools for the prediction of the effect of amino acid changes on protein structure and function yielded predictions that this variant is damaging. Based on the available information, this variant is classified as pathogenic.

Women's Health and Genetics/Laboratory Corporation of America, LabCorp
Classification: Pathogenic for MEN2 phenotype: Unclassified. Last evaluated: 2022-10-27. Review status: criteria provided, single submitter. Criteria: LabCorp Variant Classification Summary - May 2015. Collection method: clinical testing. Allele origin: germline.
Comment: Variant summary: RET c.2304G>T (p.Glu768Asp) results in a conservative amino acid change located in the Serine-threonine/tyrosine-protein kinase, catalytic domain of the encoded protein sequence. Three of five in-silico tools predict a benign effect of the variant on protein function. The variant was absent in 251258 control chromosomes. c.2304G>T has been reported in the literature in multiple individuals affected with Multiple Endocrine Neoplasia Type 2 or familial medullary thyroid carcinoma. These data indicate that the variant is very likely to be associated with disease. At least one publication reports experimental evidence evaluating an impact on protein function and showed that this variant was autophosphorylated and displayed a transforming activity. Three clinical diagnostic laboratories have submitted clinical-significance assessments for this variant to ClinVar after 2014 without evidence for independent evaluation. All laboratories classified the variant as pathogenic/likely pathogenic. Based on the evidence outlined above, the variant was classified as pathogenic.

Ambry Genetics
Classification: Pathogenic for Hereditary cancer-predisposing syndrome. Last evaluated: 2022-08-23. Review status: criteria provided, single submitter. Criteria: Ambry Variant Classification Scheme 2023. Collection method: clinical testing. Allele origin: germline.
Comment: The p.E768D pathogenic mutation (also known as c.2304G>T), located in coding exon 13 of the RET gene, results from a G to T substitution at nucleotide position 2304. The glutamic acid at codon 768 is replaced by aspartic acid, an amino acid with highly similar properties. This alteration has been identified in multiple individuals with apparently sporadic medullary thyroid cancer as well as familial medullary thyroid cancer (Wiench M et al. J. Clin. Oncol. 2001 Mar;19:1374-80; Anti&ntilde;olo G et al. Am. J. Med. Genet. 2002 Jun;110:85-7; Miyauchi A et al. World J Surg. 2002 Aug;26:1023-8; Dabir T et al. Fam Cancer. 2006;5:201-4; Elisei R et al. J. Clin. Endocrinol. Metab. 2007 Dec;92:4725-9; Millar S et al. Oncologist. 2011 Sep;16:1388-96). This variant affects the tyrosine kinase domain and results in a moderate level of RET activation with its oncogenic capacity dependent on the presence of GDNF (Arighi E et al. Mol Endocrinol. 2004 Apr;18(4):1004-17). In addition, a different nucleotide change resulting in the same amino acid substitution (c.2304G>C p.E768D) has been reported to segregate with disease in several families with medullary thyroid cancer, and has been observed in two patients with a clinical diagnosis of MEN2A (Eng C et al. Oncogene. 1995 Feb;10:509-13; Bolino A et al. Oncogene. 1995 Jun;10:2415-9; Boccia LM et al. Clin. Genet. 1997 Feb;51:81-5; Anti&ntilde;olo G et al. Am. J. Med. Genet. 2002 Jun;110:85-7; Aiello A et al. Surgery. 2005 May;137:574-6). Furthermore, this alteration has been classified as conferring "moderate risk" for MTC by the American Thyroid Association (Wells SA. Thyroid. 2015 Jun; 25(6):567-610). This variant is considered to be rare based on population cohorts in the Genome Aggregation Database (gnomAD). This amino acid position is highly conserved in available vertebrate species. In addition, this alteration is predicted to be deleterious by in silico analysis. Based on the supporting evidence, this alteration is pathogenic for MEN2; however, the association of this alteration with Hirschsprung disease is unknown.

Mendelics
Classification: Pathogenic for Multiple endocrine neoplasia type 2A. Last evaluated: 2019-05-28. Review status: criteria provided, single submitter. Criteria: Mendelics Assertion Criteria 2017. Collection method: clinical testing. Allele origin: unknown.

Counsyl
Classification: Likely pathogenic for Multiple endocrine neoplasia type 2B. Last evaluated: 2015-12-29. Review status: no assertion criteria provided. Collection method: clinical testing. Allele origin: unknown. Not counted in ClinVar's aggregate classification.

Counsyl
Classification: Likely pathogenic for Multiple endocrine neoplasia type 2A. Last evaluated: 2015-12-29. Review status: no assertion criteria provided. Collection method: clinical testing. Allele origin: unknown. Not counted in ClinVar's aggregate classification.

Literature cited by the submitters: PubMed 9263528 (cited by Labcorp Genetics (formerly Invitae), Labcorp and Quest Diagnostics Nichols Institute San Juan Capistrano); PubMed 11230481 (cited by 4 submitters); PubMed 12116277 (cited by 4 submitters); PubMed 15855933 (cited by Labcorp Genetics (formerly Invitae), Labcorp and Quest Diagnostics Nichols Institute San Juan Capistrano); PubMed 16736292 (cited by 3 submitters); PubMed 17097365 (cited by Labcorp Genetics (formerly Invitae), Labcorp and Ambry Genetics); PubMed 18062802 (cited by Labcorp Genetics (formerly Invitae), Labcorp and Quest Diagnostics Nichols Institute San Juan Capistrano); PubMed 14715928 (cited by Labcorp Genetics (formerly Invitae), Labcorp and Quest Diagnostics Nichols Institute San Juan Capistrano); PubMed 15184865 (cited by Labcorp Genetics (formerly Invitae), Labcorp and Quest Diagnostics Nichols Institute San Juan Capistrano); PubMed 17047083 (cited by Labcorp Genetics (formerly Invitae), Labcorp); PubMed 26046350 (cited by Labcorp Genetics (formerly Invitae), Labcorp); PubMed 9242375 (cited by Quest Diagnostics Nichols Institute San Juan Capistrano and Women's Health and Genetics/Laboratory Corporation of America, LabCorp); PubMed 12016484 (cited by 3 submitters); PubMed 17895320 (cited by Quest Diagnostics Nichols Institute San Juan Capistrano and Ambry Genetics); PubMed 20516206 (cited by Quest Diagnostics Nichols Institute San Juan Capistrano and Women's Health and Genetics/Laboratory Corporation of America, LabCorp); PubMed 21934104 (cited by 3 submitters); PubMed 29077903 (cited by Quest Diagnostics Nichols Institute San Juan Capistrano and Women's Health and Genetics/Laboratory Corporation of America, LabCorp); PubMed 31510104 (cited by Quest Diagnostics Nichols Institute San Juan Capistrano).

NM_020975.6(RET):c.2304G>T (p.Glu768Asp)

Gene: RET (ret proto-oncogene; plus strand). Cytogenetic location: 10q11.21.
Variant type: single nucleotide variant.
Coding change: c.2304G>T on transcript NM_020975.6 (MANE Select); coding-DNA position 2304, G replaced by T.
Protein change: p.Glu768Asp; replaces glutamic acid 768 with aspartic acid.
Molecular consequence: missense variant.
Genome position (GRCh38, 1-based): chr10:43,118,392, G>T. VCF-style: chr10-43118392-G-T. GRCh37 (hg19) VCF-style: chr10-43613840-G-T.
Other names: c.2304G>T, p.Glu768Asp (NM_000323.2, NM_001406743.1, NM_001406744.1 and 4 more transcripts); c.1542G>T, p.Glu514Asp (NM_001355216.2); c.2175G>T, p.Glu725Asp (NM_001406761.1, NM_001406762.1, NM_001406764.1); c.2169G>T, p.Glu723Asp (NM_001406763.1, NM_001406765.1); c.2016G>T, p.Glu672Asp (NM_001406766.1, NM_001406767.1, NM_001406770.1); c.2040G>T, p.Glu680Asp (NM_001406768.1); c.1908G>T, p.Glu636Asp (NM_001406769.1, NM_001406772.1); c.1866G>T, p.Glu622Asp (NM_001406771.1, NM_001406773.1); and 10 more; short protein forms E768D, E514D, E333D, E426D, E469D, E424D, E723D, E725D.
Identifiers: ClinVar variation 38611 (VCV000038611.18), dbSNP rs78014899, ClinGen allele CA008648.